The following is an entry in ClinVar:

ClinVar aggregate classification (germline): Uncertain significance (1 of 4 stars; one submission).

Conditions:
Catecholaminergic polymorphic ventricular tachycardia 1. Also called: RYR2-Related Catecholaminergic Polymorphic Ventricular Tachycardia; VENTRICULAR TACHYCARDIA, CATECHOLAMINERGIC POLYMORPHIC, 1, WITH OR WITHOUT ATRIAL DYSFUNCTION AND/OR DILATED CARDIOMYOPATHY; VENTRICULAR TACHYCARDIA, STRESS-INDUCED POLYMORPHIC 1. Identifiers: Orphanet 3286, MedGen C1631597, MONDO:0011484, OMIM 604772.

Allele frequency attached by ClinVar (database versions not stated): gnomAD exomes below 0.00001.
gnomAD v4.1: 1 of 1,600,218 alleles (0.000062%); highest among the groups gnomAD compares: Non-Finnish European, 0.000085%; no homozygotes.

Submission:

Labcorp Genetics (formerly Invitae), Labcorp
Classification: Uncertain significance for Catecholaminergic polymorphic ventricular tachycardia 1. Last evaluated: 2022-04-28. Review status: criteria provided, single submitter. Criteria: Invitae Variant Classification Sherloc (09022015). Collection method: clinical testing. Allele origin: germline.
Comment: Algorithms developed to predict the effect of sequence changes on RNA splicing suggest that this variant may disrupt the consensus splice site. ClinVar contains an entry for this variant (Variation ID: 201386). This variant has not been reported in the literature in individuals affected with RYR2-related conditions. This variant is not present in population databases (gnomAD no frequency). This sequence change affects an acceptor splice site in intron 43 of the RYR2 gene. It is expected to disrupt RNA splicing. Variants that disrupt the donor or acceptor splice site typically lead to a loss of protein function (PMID: 16199547), however the current clinical and genetic evidence is not sufficient to establish whether loss-of-function variants in RYR2 cause disease. In summary, the available evidence is currently insufficient to determine the role of this variant in disease. Therefore, it has been classified as a Variant of Uncertain Significance.

Literature cited by the submitters: PubMed 16199547.

NM_001035.3(RYR2):c.6689-1G>A

Gene: RYR2 (ryanodine receptor 2; plus strand). Cytogenetic location: 1q43.
Variant type: single nucleotide variant.
Coding change: c.6689-1G>A on transcript NM_001035.3 (MANE Select); the canonical splice acceptor site of the intron before coding-DNA position 6689, G replaced by A.
Molecular consequence: splice acceptor variant.
Genome position (GRCh38, 1-based): chr1:237,634,888, G>A. VCF-style: chr1-237634888-G-A. GRCh37 (hg19) VCF-style: chr1-237798188-G-A.
Identifiers: ClinVar variation 201386 (VCV000201386.8), dbSNP rs794728822, ClinGen allele CA010265.